The following is an entry in ClinVar:

NM_001005361.3(DNM2):c.1642G>A (p.Glu548Lys)

Gene: DNM2 (dynamin 2; plus strand). Cytogenetic location: 19p13.2.
Variant type: single nucleotide variant.
Coding change: c.1642G>A on transcript NM_001005361.3 (MANE Select); coding-DNA position 1642, G replaced by A.
Protein change: p.Glu548Lys; replaces glutamic acid 548 with lysine.
Molecular consequence: missense variant.
Genome position (GRCh38, 1-based): chr19:10,812,348, G>A. VCF-style: chr19-10812348-G-A. GRCh37 (hg19) VCF-style: chr19-10923024-G-A.
Other names: c.1642G>A, p.Glu548Lys (NM_001005360.3, NM_001190716.2); c.1630G>A, p.Glu544Lys (NM_001005362.3, NM_004945.4); short protein forms E544K, E548K.
Identifiers: ClinVar variation 3345200 (VCV003345200.1).
Genomic context (GRCh38, chr19:10,812,348, plus strand): 5'-ATCAACAACATCAGCCTGATGAAAGGCGGCTCCAAGGAGTACTGGTTTGTGCTGACTGCC[G>A]AGTCACTGTCCTGGTACAAGGATGAGGAGGTGAGTGGCAGGCGGGAGCAGGGCTGCTGGG-3'
Protein context (NP_001005361.1, residues 538-558): SKEYWFVLTA[Glu548Lys]SLSWYKDEEE

ClinVar aggregate classification (germline): Uncertain significance (0 of 4 stars; one submission).

Conditions:
DNM2-related disorder. Also called: DNM2-related condition.

Submission:

PreventionGenetics, part of Exact Sciences
Classification: Uncertain significance for DNM2-related condition. Last evaluated: 2024-04-30. Review status: no assertion criteria provided. Collection method: clinical testing. Allele origin: germline.
Comment: The DNM2 c.1642G>A variant is predicted to result in the amino acid substitution p.Glu548Lys. To our knowledge, this variant has not been reported in the literature or in a large population database, indicating this variant is rare. At this time, the clinical significance of this variant is uncertain due to the absence of conclusive functional and genetic evidence.